The following is an entry in ClinVar:

ClinVar aggregate classification (germline): Pathogenic. Review status: criteria provided, multiple submitters, no conflicts (2 of 4 stars). 5 submissions from 5 submitters: Pathogenic (5). Last evaluated 2026-09-08.

Conditions:
Fabry disease. Also called: ALPHA-GALACTOSIDASE A DEFICIENCY; CERAMIDE TRIHEXOSIDASE DEFICIENCY; GLA DEFICIENCY; HEREDITARY DYSTOPIC LIPIDOSIS; Angiokeratoma corporis diffusum; Fabry's disease. Identifiers: Orphanet 324, MedGen C0002986, MONDO:0010526, OMIM 301500, HP:0001071. Disease mechanism: loss of function, Fabry disease is due to inactivating mutations in the X-linked GLA gene resulting in deficiency of the enzyme Alpha Galactosidase-A..

Submissions (5):

Genomenon, Inc
Classification: Pathogenic for Fabry disease. Last evaluated: 2026-09-08. Review status: criteria provided, single submitter. Criteria: Genomenon Sequence Variant Interpretation Standards - Updated. Collection method: curation. Allele origin: germline. Affected: yes.
Comment: GLA p.Trp349Ter (c.1046G>A) is a nonsense variant that introduces a premature stop codon at amino acid position 349 and is predicted to result in a truncated or absent protein product. This variant has been observed in at least one proband with clinical features consistent with Fabry disease (PMID:11322659;23393592;40692291;20022777;17713670;31996269). The variant was found to segregate with disease in at least one affected family (PMID:23393592;40692291). Functional or patient cell studies have been reported (PMID:15159654;17713670;31996269). It is absent or not present at a significant frequency in gnomAD. In conclusion, we classify GLA p.Trp349Ter (c.1046G>A) as a pathogenic variant.

Labcorp Genetics (formerly Invitae), Labcorp
Classification: Pathogenic for Fabry disease. Last evaluated: 2025-02-11. Review status: criteria provided, single submitter. Criteria: Invitae Variant Classification Sherloc (09022015). Collection method: clinical testing. Allele origin: germline.
Comment: This sequence change creates a premature translational stop signal (p.Trp349*) in the GLA gene. While this is not anticipated to result in nonsense mediated decay, it is expected to disrupt the last 81 amino acid(s) of the GLA protein. This variant is not present in population databases (gnomAD no frequency). This premature translational stop signal has been observed in individual(s) with Fabry disease (PMID: 11322659). ClinVar contains an entry for this variant (Variation ID: 992222). Algorithms developed to predict the effect of sequence changes on RNA splicing suggest that this variant may disrupt the consensus splice site. This variant disrupts a region of the GLA protein in which other variant(s) (p.Pro409Ser) have been determined to be pathogenic (PMID: 8768754, 12428061, 31392112; internal data). This suggests that this is a clinically significant region of the protein, and that variants that disrupt it are likely to be disease-causing. For these reasons, this variant has been classified as Pathogenic.

Revvity Omics, Revvity
Classification: Pathogenic. Last evaluated: 2022-03-18. Review status: criteria provided, single submitter. Criteria: ACMG Guidelines, 2015. Collection method: clinical testing. Allele origin: germline.

GeneDx
Classification: Pathogenic. Last evaluated: 2022-03-14. Review status: criteria provided, single submitter. Criteria: GeneDx Variant Classification Process June 2021. Collection method: clinical testing. Allele origin: germline. Affected: yes.
Comment: Not observed at significant frequency in large population cohorts (gnomAD); Nonsense variant predicted to result in protein truncation in a gene for which loss-of-function is a known mechanism of disease; This variant is associated with the following publications: (PMID: 23935525, 11322659, 17713670, 20022777)

Women's Health and Genetics/Laboratory Corporation of America, LabCorp
Classification: Pathogenic for Fabry disease. Last evaluated: 2020-12-02. Review status: criteria provided, single submitter. Criteria: LabCorp Variant Classification Summary - May 2015. Collection method: clinical testing. Allele origin: germline.
Comment: Variant summary: GLA c.1046G>A (p.Trp349X) results in a premature termination codon, predicted to cause a truncation of the encoded protein or absence of the protein due to nonsense mediated decay, which are commonly known mechanisms for disease. Truncations downstream of this position have been classified as pathogenic by our laboratory. The variant was absent in 183139 control chromosomes. c.1046G>A has been reported in the literature in multiple individuals affected with clinically and biochemically confirmed Fabry Disease (example, Sirrs_2009). These data indicate that the variant is very likely to be associated with disease. At least one publication reports experimental evidence evaluating an impact on protein function (example, Pereira_2007). The most pronounced variant effect results in <10% of normal GLA enzyme activity. No clinical diagnostic laboratories have submitted clinical-significance assessments for this variant to ClinVar after 2014. Based on the evidence outlined above, the variant was classified as pathogenic.

Literature cited by the submitters: PubMed 11322659 (cited by Genomenon, Inc and Labcorp Genetics (formerly Invitae), Labcorp); PubMed 23393592 (cited by Genomenon, Inc); PubMed 40692291 (cited by Genomenon, Inc); PubMed 20022777 (cited by Genomenon, Inc and Women's Health and Genetics/Laboratory Corporation of America, LabCorp); PubMed 17713670 (cited by Genomenon, Inc and Women's Health and Genetics/Laboratory Corporation of America, LabCorp); PubMed 31996269 (cited by Genomenon, Inc); PubMed 15159654 (cited by Genomenon, Inc); PubMed 8768754 (cited by Labcorp Genetics (formerly Invitae), Labcorp); PubMed 12428061 (cited by Labcorp Genetics (formerly Invitae), Labcorp); PubMed 31392112 (cited by Labcorp Genetics (formerly Invitae), Labcorp).

NM_000169.3(GLA):c.1046G>A (p.Trp349Ter)

Genes: GLA (galactosidase alpha; minus strand), RPL36A-HNRNPH2 (RPL36A-HNRNPH2 readthrough; plus strand). Cytogenetic location: Xq22.1.
Variant type: single nucleotide variant.
Coding change: c.1046G>A on transcript NM_000169.3 (MANE Select); coding-DNA position 1046, G replaced by A.
Protein change: p.Trp349Ter; replaces tryptophan 349 with a stop codon.
Molecular consequence: nonsense. On other transcripts: non-coding transcript variant (3), intron variant (2).
Genome position (GRCh38, 1-based): chrX:101,398,053, C>T on the plus strand (G>A on the coding strand, the complement: GLA is on the minus strand). VCF-style: chrX-101398053-C-T. GRCh37 (hg19) VCF-style: chrX-100653041-C-T.
Other names: c.1169G>A, p.Trp390Ter (NM_001406747.1); c.300+2596C>T (NM_001199973.2); c.177+6231C>T (NM_001199974.2); short protein forms W349*, W390*.
Identifiers: ClinVar variation 992222 (VCV000992222.12), dbSNP rs869312218, ClinGen allele CA413921088.